The following is an entry in ClinVar:

ClinVar aggregate classification (germline): Uncertain significance. Review status: criteria provided, multiple submitters, no conflicts (2 of 4 stars). 2 submissions from 2 submitters: Uncertain significance (2). Last evaluated 2025-03-05.

Conditions:
Intellectual developmental disorder with speech delay, autism, and dysmorphic facies. Identifiers: MedGen C5231456, MONDO:0032864, OMIM 618672.

Allele frequency attached by ClinVar (database versions not stated): TOPMed below 0.00001.

Submissions (2):

GeneDx
Classification: Uncertain significance. Last evaluated: 2025-03-05. Review status: criteria provided, single submitter. Criteria: GeneDx Variant Classification Process June 2021. Collection method: clinical testing. Allele origin: germline. Affected: yes.
Comment: Not observed at significant frequency in large population cohorts (gnomAD); In silico analysis indicates that this missense variant does not alter protein structure/function; Has not been previously published as pathogenic or benign to our knowledge

Revvity Omics, Revvity
Classification: Uncertain significance for Intellectual developmental disorder with speech delay, autism, and dysmorphic facies. Last evaluated: 2021-08-13. Review status: criteria provided, single submitter. Criteria: ACMG Guidelines, 2015. Collection method: clinical testing. Allele origin: germline.

NM_014516.4(CNOT3):c.1358A>T (p.Gln453Leu)

Gene: CNOT3 (CCR4-NOT transcription complex subunit 3; plus strand). Cytogenetic location: 19q13.42.
Variant type: single nucleotide variant.
Coding change: c.1358A>T on transcript NM_014516.4 (MANE Select); coding-DNA position 1358, A replaced by T.
Protein change: p.Gln453Leu; replaces glutamine 453 with leucine.
Molecular consequence: missense variant.
Genome position (GRCh38, 1-based): chr19:54,148,695, A>T. VCF-style: chr19-54148695-A-T. GRCh37 (hg19) VCF-style: chr19-54652430-A-T.
Other names: c.1358A>T (NM_014516.3); short protein forms Q453L.
Identifiers: ClinVar variation 2440169 (VCV002440169.4), dbSNP rs2074845581, ClinGen allele CA407765838.